The following is an entry in ClinVar:

ClinVar aggregate classification (germline): Uncertain significance. Review status: criteria provided, multiple submitters, no conflicts (2 of 4 stars). 2 submissions from 2 submitters: Uncertain significance (2). Last evaluated 2026-02-03.

Conditions:
Cardiovascular phenotype. Identifiers: MedGen CN230736.
Legius syndrome. Identifiers: Orphanet 137605, MedGen C1969623, MONDO:0012669, OMIM 611431. Disease mechanism: loss of function.

gnomAD v4.1: 2 of 1,607,964 alleles (0.00012%); highest among the groups gnomAD compares: African/African-American, 0.0013%; no homozygotes.

Submissions (2):

Labcorp Genetics (formerly Invitae), Labcorp
Classification: Uncertain significance for Legius syndrome. Last evaluated: 2026-02-03. Review status: criteria provided, single submitter. Criteria: Invitae Variant Classification Sherloc (09022015). Collection method: clinical testing. Allele origin: germline.
Comment: This sequence change replaces isoleucine, which is neutral and non-polar, with threonine, which is neutral and polar, at codon 195 of the SPRED1 protein (p.Ile195Thr). The frequency data for this variant in the population databases is considered unreliable, as metrics indicate poor data quality at this position in the gnomAD database. This variant has not been reported in the literature in individuals affected with SPRED1-related conditions. ClinVar contains an entry for this variant (Variation ID: 3448798). An algorithm developed to predict the effect of missense changes on protein structure and function (PolyPhen-2) suggests that this variant is likely to be tolerated. In summary, the available evidence is currently insufficient to determine the role of this variant in disease. Therefore, it has been classified as a Variant of Uncertain Significance.

Ambry Genetics
Classification: Uncertain significance for Cardiovascular phenotype. Last evaluated: 2024-12-02. Review status: criteria provided, single submitter. Criteria: Ambry Variant Classification Scheme 2023. Collection method: clinical testing. Allele origin: germline.
Comment: The p.I195T variant (also known as c.584T>C), located in coding exon 6 of the SPRED1 gene, results from a T to C substitution at nucleotide position 584. The isoleucine at codon 195 is replaced by threonine, an amino acid with similar properties. This amino acid position is conserved. In addition, this alteration is predicted to be tolerated by in silico analysis. Based on the available evidence, the clinical significance of this variant remains unclear.

NM_152594.3(SPRED1):c.584T>C (p.Ile195Thr)

Gene: SPRED1 (sprouty related EVH1 domain containing 1; plus strand). Cytogenetic location: 15q14.
Variant type: single nucleotide variant.
Coding change: c.584T>C on transcript NM_152594.3 (MANE Select); coding-DNA position 584, T replaced by C.
Protein change: p.Ile195Thr; replaces isoleucine 195 with threonine.
Molecular consequence: missense variant.
Genome position (GRCh38, 1-based): chr15:38,349,423, T>C. VCF-style: chr15-38349423-T-C. GRCh37 (hg19) VCF-style: chr15-38641624-T-C.
Other names: short protein forms I195T.
Identifiers: ClinVar variation 3448798 (VCV003448798.2).